The following is an entry in ClinVar:

NM_133497.4(KCNV2):c.367_396dup (p.Leu123_Arg132dup)

Gene: KCNV2 (potassium voltage-gated channel modifier subfamily V member 2; plus strand). Cytogenetic location: 9p24.2.
Variant type: Duplication.
Coding change: c.367_396dup on transcript NM_133497.4 (MANE Select); coding-DNA positions 367 to 396, 30 bases duplicated (CTAGGTCGCCTGGCCACCTCCACCAGCCGC).
Protein change: p.Leu123_Arg132dup.
Molecular consequence: inframe insertion.
Genome position (GRCh38, 1-based): chr9:2,718,106-2,718,135, CTAGGTCGCCTGGCCACCTCCACCAGCCGC duplicated; duplicating any 30 consecutive bases within chr9:2,718,103-2,718,135 gives the same sequence; the c. name uses the placement nearest the transcript's 3' end. VCF-style (leftmost placement, unchanged base first): chr9-2718102-G-GCGCCTAGGTCGCCTGGCCACCTCCACCAGC. GRCh37 (hg19) VCF-style: chr9-2718102-G-GCGCCTAGGTCGCCTGGCCACCTCCACCAGC.
Identifiers: ClinVar variation 1016260 (VCV001016260.8), dbSNP rs1819773282, ClinGen allele CA1828288171.
Genomic context (GRCh38, chr9:2,718,102, plus strand): 5'-GAACGTGGGTGGCCACAGCTACCAGCTGGACTACTGCGAGCTGGCCGGCTTCCCCAAGAC[G>GCGCCTAGGTCGCCTGGCCACCTCCACCAGC]CGCCTAGGTCGCCTGGCCACCTCCACCAGCCGCAGCCGCCAGCTAAGCCTGTGCGACGAC-3'

ClinVar aggregate classification (germline): Uncertain significance (1 of 4 stars; one submission).

Submission:

Labcorp Genetics (formerly Invitae), Labcorp
Classification: Uncertain significance. Last evaluated: 2020-09-04. Review status: criteria provided, single submitter. Criteria: Invitae Variant Classification Sherloc (09022015). Collection method: clinical testing. Allele origin: germline.
Comment: This variant is not present in population databases (ExAC no frequency). This variant has not been reported in the literature in individuals with KCNV2-related conditions. Experimental studies and prediction algorithms are not available or were not evaluated, and the functional significance of this variant is currently unknown. Algorithms developed to predict the effect of sequence changes on RNA splicing suggest that this variant may create or strengthen a splice site, but this prediction has not been confirmed by published transcriptional studies. In summary, the available evidence is currently insufficient to determine the role of this variant in disease. Therefore, it has been classified as a Variant of Uncertain Significance. This variant, c.367_396dup, results in the insertion of 10 amino acid(s) to the KCNV2 protein (p.Leu123_Arg132dup), but otherwise preserves the integrity of the reading frame.